The following is an entry in ClinVar:

NM_130384.3(ATRIP):c.1943T>A (p.Leu648Ter)

Genes: ATRIP (ATR interacting protein; plus strand), ATRIP-TREX1 (ATRIP-TREX1 readthrough; plus strand). Cytogenetic location: 3p21.31.
Variant type: single nucleotide variant.
Coding change: c.1943T>A on transcript NM_130384.3 (MANE Select); coding-DNA position 1943, T replaced by A.
Protein change: p.Leu648Ter; replaces leucine 648 with a stop codon.
Molecular consequence: nonsense. On other transcripts: non-coding transcript variant (1).
Genome position (GRCh38, 1-based): chr3:48,464,101, T>A. VCF-style: chr3-48464101-T-A. GRCh37 (hg19) VCF-style: chr3-48505500-T-A.
Other names: c.1562T>A, p.Leu521Ter (NM_001271022.2); c.1664T>A, p.Leu555Ter (NM_001271023.2); c.1943T>A, p.Leu648Ter (NM_032166.4); short protein forms L648*, L521*, L555*.
Identifiers: ClinVar variation 4842180 (VCV004842180.1).

ClinVar aggregate classification (germline): Uncertain significance (1 of 4 stars; one submission).

gnomAD v4.1: 2 of 1,613,882 alleles (0.00012%); highest among the groups gnomAD compares: Non-Finnish European, 0.00017%; no homozygotes.

Submission:

Ambry Genetics
Classification: Uncertain significance. Last evaluated: 2026-01-09. Review status: criteria provided, single submitter. Criteria: Ambry Variant Classification Scheme 2023. Collection method: clinical testing. Allele origin: germline.
Comment: The p.L648* variant (also known as c.1943T>A), located in coding exon 10 of the ATRIP gene, results from a T to A substitution at nucleotide position 1943. This changes the amino acid from a leucine to a stop codon within coding exon 10. The evidence for this gene-disease relationship is limited; therefore, the clinical significance of this alteration is unclear.